The following is an entry in ClinVar:

ClinVar aggregate classification (germline): Uncertain significance (1 of 4 stars; one submission).

Conditions:
Familial thoracic aortic aneurysm and aortic dissection (TAAD). Also called: Thoracic aortic aneurysms and dissections. Identifiers: Orphanet 91387, MedGen C4707243, MONDO:0019625.

Submission:

Ambry Genetics
Classification: Uncertain significance for Familial thoracic aortic aneurysm and aortic dissection. Last evaluated: 2024-11-15. Review status: criteria provided, single submitter. Criteria: Ambry Variant Classification Scheme 2023. Collection method: clinical testing. Allele origin: germline.
Comment: The p.S527C variant (also known as c.1580C>G), located in coding exon 5 of the SLC2A10 gene, results from a C to G substitution at nucleotide position 1580. The serine at codon 527 is replaced by cysteine, an amino acid with dissimilar properties. This amino acid position is not well conserved in available vertebrate species. In addition, this alteration is predicted to be tolerated by in silico analysis. Based on the available evidence, the clinical significance of this variant remains unclear.

NM_030777.4(SLC2A10):c.1580C>G (p.Ser527Cys)

Gene: SLC2A10 (solute carrier family 2 member 10; plus strand). Cytogenetic location: 20q13.12.
Variant type: single nucleotide variant.
Coding change: c.1580C>G on transcript NM_030777.4 (MANE Select); coding-DNA position 1580, C replaced by G.
Protein change: p.Ser527Cys; replaces serine 527 with cysteine.
Molecular consequence: missense variant.
Genome position (GRCh38, 1-based): chr20:46,733,788, C>G. VCF-style: chr20-46733788-C-G. GRCh37 (hg19) VCF-style: chr20-45362427-C-G.
Other names: short protein forms S527C.
Identifiers: ClinVar variation 3443784 (VCV003443784.1).